The following is an entry in ClinVar:

NM_000038.6(APC):c.2224A>G (p.Ile742Val)

Gene: APC (APC regulator of Wnt signaling pathway; plus strand). Cytogenetic location: 5q22.2.
Variant type: single nucleotide variant.
Coding change: c.2224A>G on transcript NM_000038.6 (MANE Select); coding-DNA position 2224, A replaced by G.
Protein change: p.Ile742Val; replaces isoleucine 742 with valine.
Molecular consequence: missense variant.
Genome position (GRCh38, 1-based): chr5:112,837,818, A>G. VCF-style: chr5-112837818-A-G. GRCh37 (hg19) VCF-style: chr5-112173515-A-G.
Other names: c.2224A>G (NM_000038.5); c.2224A>G, p.Ile742Val (NM_001127510.3, NM_001354895.2); c.2170A>G, p.Ile724Val (NM_001127511.3); c.2278A>G, p.Ile760Val (NM_001354896.2); c.2254A>G, p.Ile752Val (NM_001354897.2); c.2149A>G, p.Ile717Val (NM_001354898.2); c.2140A>G, p.Ile714Val (NM_001354899.2); c.2101A>G, p.Ile701Val (NM_001354900.2); and 6 more; short protein forms I582V, I724V, I752V, I459V, I616V, I641V, I651V, I683V.
Identifiers: ClinVar variation 1406452 (VCV001406452.10), dbSNP rs748046147, ClinGen allele CA031412.

ClinVar aggregate classification (germline): Conflicting classifications of pathogenicity. Review status: criteria provided, conflicting classifications (1 of 4 stars). 3 submissions from 3 submitters: Uncertain significance (2); Likely benign (1). Last evaluated 2025-11-09.

Conditions:
Hereditary cancer-predisposing syndrome. Also called: Hereditary neoplastic syndrome; Hereditary Cancer Syndrome; Neoplastic Syndromes, Hereditary; Tumor predisposition. Identifiers: Orphanet 140162, MedGen C0027672, MeSH D009386, MONDO:0015356.
Familial adenomatous polyposis 1 (FAP1). Also called: POLYPOSIS, ADENOMATOUS INTESTINAL; FAMILIAL ADENOMATOUS POLYPOSIS 1, ATTENUATED. Identifiers: MedGen C2713442, MONDO:0021056, OMIM 175100. Disease mechanism: loss of function.

Allele frequency attached by ClinVar (database versions not stated): gnomAD exomes below 0.00001 and 0.00002; TOPMed below 0.00001; ExAC 0.00002.
gnomAD v4.1: 6 of 1,614,066 alleles (0.00037%); highest among the groups gnomAD compares: South Asian, 0.0044%; no homozygotes.

Submissions (3):

Labcorp Genetics (formerly Invitae), Labcorp
Classification: Uncertain significance for Familial adenomatous polyposis 1. Last evaluated: 2025-11-09. Review status: criteria provided, single submitter. Criteria: Invitae Variant Classification Sherloc (09022015). Collection method: clinical testing. Allele origin: germline.
Comment: This sequence change replaces isoleucine, which is neutral and non-polar, with valine, which is neutral and non-polar, at codon 742 of the APC protein (p.Ile742Val). This variant is present in population databases (rs748046147, gnomAD 0.02%). This variant has not been reported in the literature in individuals affected with APC-related conditions. ClinVar contains an entry for this variant (Variation ID: 1406452). Invitae Evidence Modeling of protein sequence and biophysical properties (such as structural, functional, and spatial information, amino acid conservation, physicochemical variation, residue mobility, and thermodynamic stability) indicates that this missense variant is not expected to disrupt APC protein function with a negative predictive value of 95%. In summary, the available evidence is currently insufficient to determine the role of this variant in disease. Therefore, it has been classified as a Variant of Uncertain Significance.

Baylor Genetics
Classification: Uncertain significance for Familial adenomatous polyposis 1. Last evaluated: 2024-02-18. Review status: criteria provided, single submitter. Criteria: ACMG Guidelines, 2015. Collection method: clinical testing. Allele origin: unknown.

Ambry Genetics
Classification: Likely benign for Hereditary cancer-predisposing syndrome. Last evaluated: 2022-11-27. Review status: criteria provided, single submitter. Criteria: Ambry Variant Classification Scheme 2023. Collection method: clinical testing. Allele origin: germline.